The following is an entry in ClinVar:

ClinVar aggregate classification (germline): Uncertain significance. Review status: criteria provided, multiple submitters, no conflicts (2 of 4 stars). 2 submissions from 2 submitters: Uncertain significance (2). Last evaluated 2025-08-12.

Conditions:
Inborn genetic diseases. Identifiers: MedGen C0950123, MeSH D030342.
Fanconi anemia (FA). Also called: Fanconi's anemia. Identifiers: Orphanet 84, MedGen C0015625, MeSH D005199, MONDO:0019391.

Allele frequency attached by ClinVar (database versions not stated): TOPMed below 0.00001; gnomAD 0.00001.
gnomAD v4.1: 4 of 1,613,998 alleles (0.00025%); highest among the groups gnomAD compares: East Asian, 0.0022%; no homozygotes.

Submissions (2):

Ambry Genetics
Classification: Uncertain significance for Inborn genetic diseases. Last evaluated: 2025-08-12. Review status: criteria provided, single submitter. Criteria: Ambry Variant Classification Scheme 2023. Collection method: clinical testing. Allele origin: germline.
Comment: The p.A122S variant (also known as c.364G>T), located in coding exon 1 of the FANCM gene, results from a G to T substitution at nucleotide position 364. The alanine at codon 122 is replaced by serine, an amino acid with similar properties. This amino acid position is conserved. In addition, this alteration is predicted to be tolerated by in silico analysis. Based on the available evidence, the clinical significance of this variant remains unclear.

Labcorp Genetics (formerly Invitae), Labcorp
Classification: Uncertain significance for Fanconi anemia. Last evaluated: 2021-02-25. Review status: criteria provided, single submitter. Criteria: Invitae Variant Classification Sherloc (09022015). Collection method: clinical testing. Allele origin: germline.
Comment: This variant has not been reported in the literature in individuals with FANCM-related conditions. In summary, the available evidence is currently insufficient to determine the role of this variant in disease. Therefore, it has been classified as a Variant of Uncertain Significance. Algorithms developed to predict the effect of missense changes on protein structure and function (SIFT, PolyPhen-2, Align-GVGD) all suggest that this variant is likely to be tolerated, but these predictions have not been confirmed by published functional studies and their clinical significance is uncertain. This variant is not present in population databases (ExAC no frequency). This sequence change replaces alanine with serine at codon 122 of the FANCM protein (p.Ala122Ser). The alanine residue is moderately conserved and there is a moderate physicochemical difference between alanine and serine.

NM_020937.4(FANCM):c.364G>T (p.Ala122Ser)

Gene: FANCM (FA complementation group M; plus strand). Cytogenetic location: 14q21.2.
Variant type: single nucleotide variant.
Coding change: c.364G>T on transcript NM_020937.4 (MANE Select); coding-DNA position 364, G replaced by T.
Protein change: p.Ala122Ser; replaces alanine 122 with serine.
Molecular consequence: missense variant.
Genome position (GRCh38, 1-based): chr14:45,136,395, G>T. VCF-style: chr14-45136395-G-T. GRCh37 (hg19) VCF-style: chr14-45605598-G-T.
Other names: c.364G>T, p.Ala122Ser (NM_001308133.2, NM_001308134.2); short protein forms A122S.
Identifiers: ClinVar variation 962171 (VCV000962171.10), dbSNP rs1885507119, ClinGen allele CA389587960.
Genomic context (GRCh38, chr14:45,136,395, plus strand): 5'-GCTCTGTTTTGCAATACGCTGGTGTGTCTGCCTACCGGACTGGGAAAGACCTTTATTGCC[G>T]CCGTGGTCATGTACAATTTCTACCGCTGGTTCCCTTCAGGAAAGGTGGTCTTCATGGCCC-3'
Protein context (NP_065988.1, residues 112-132): PTGLGKTFIA[Ala122Ser]VVMYNFYRWF